The following is an entry in ClinVar:

NM_001164665.2(KIAA1549):c.298G>T (p.Gly100Cys)

Gene: KIAA1549 (KIAA1549; minus strand). Cytogenetic location: 7q34.
Variant type: single nucleotide variant.
Coding change: c.298G>T on transcript NM_001164665.2 (MANE Select); coding-DNA position 298, G replaced by T.
Protein change: p.Gly100Cys; replaces glycine 100 with cysteine.
Molecular consequence: missense variant.
Genome position (GRCh38, 1-based): chr7:138,919,328, C>A on the plus strand (G>T on the coding strand, the complement: KIAA1549 is on the minus strand). VCF-style: chr7-138919328-C-A. GRCh37 (hg19) VCF-style: chr7-138604074-C-A.
Other names: c.298G>T, p.Gly100Cys (NM_020910.3); short protein forms G100C.
Identifiers: ClinVar variation 1717730 (VCV001717730.5), dbSNP rs562166819, ClinGen allele CA369403361.

ClinVar aggregate classification (germline): Uncertain significance (1 of 4 stars; one submission).

Submission:

Labcorp Genetics (formerly Invitae), Labcorp
Classification: Uncertain significance. Last evaluated: 2022-08-22. Review status: criteria provided, single submitter. Criteria: Invitae Variant Classification Sherloc (09022015). Collection method: clinical testing. Allele origin: germline.
Comment: In summary, the available evidence is currently insufficient to determine the role of this variant in disease. Therefore, it has been classified as a Variant of Uncertain Significance. Algorithms developed to predict the effect of missense changes on protein structure and function are either unavailable or do not agree on the potential impact of this missense change (SIFT: "Deleterious"; PolyPhen-2: "Possibly Damaging"; Align-GVGD: "Class C0"). This variant has not been reported in the literature in individuals affected with KIAA1549-related conditions. This variant is not present in population databases (gnomAD no frequency). This sequence change replaces glycine, which is neutral and non-polar, with cysteine, which is neutral and slightly polar, at codon 100 of the KIAA1549 protein (p.Gly100Cys).